The following is an entry in ClinVar:

ClinVar aggregate classification (germline): Uncertain significance. Review status: criteria provided, multiple submitters, no conflicts (2 of 4 stars). 2 submissions from 2 submitters: Uncertain significance (2). Last evaluated 2025-03-18.

Conditions:
Cardiovascular phenotype. Identifiers: MedGen CN230736.
Dilated cardiomyopathy 1JJ (CMD1JJ). Identifiers: Orphanet 154, MedGen C3808935, MONDO:0014095, OMIM 615235.

gnomAD v4.1: 3 of 1,613,880 alleles (0.00019%); highest among the groups gnomAD compares: Admixed American, 0.005%; no homozygotes.

Submissions (2):

Ambry Genetics
Classification: Uncertain significance for Cardiovascular phenotype. Last evaluated: 2025-03-18. Review status: criteria provided, single submitter. Criteria: Ambry Variant Classification Scheme 2023. Collection method: clinical testing. Allele origin: germline.
Comment: The p.S1556C variant (also known as c.4666A>T), located in coding exon 33 of the LAMA4 gene, results from an A to T substitution at nucleotide position 4666. The serine at codon 1556 is replaced by cysteine, an amino acid with dissimilar properties. This amino acid position is conserved. In addition, this alteration is predicted to be tolerated by in silico analysis. Based on the available evidence, the clinical significance of this variant remains unclear.

Labcorp Genetics (formerly Invitae), Labcorp
Classification: Uncertain significance for Dilated cardiomyopathy 1JJ. Last evaluated: 2024-11-18. Review status: criteria provided, single submitter. Criteria: Invitae Variant Classification Sherloc (09022015). Collection method: clinical testing. Allele origin: germline.
Comment: This sequence change replaces serine, which is neutral and polar, with cysteine, which is neutral and slightly polar, at codon 1556 of the LAMA4 protein (p.Ser1556Cys). This variant is not present in population databases (gnomAD no frequency). This variant has not been reported in the literature in individuals affected with LAMA4-related conditions. Invitae Evidence Modeling of protein sequence and biophysical properties (such as structural, functional, and spatial information, amino acid conservation, physicochemical variation, residue mobility, and thermodynamic stability) indicates that this missense variant is not expected to disrupt LAMA4 protein function with a negative predictive value of 80%. In summary, the available evidence is currently insufficient to determine the role of this variant in disease. Therefore, it has been classified as a Variant of Uncertain Significance.

NM_001105206.3(LAMA4):c.4687A>T (p.Ser1563Cys)

Gene: LAMA4 (laminin subunit alpha 4; minus strand). Cytogenetic location: 6q21.
Variant type: single nucleotide variant.
Coding change: c.4687A>T on transcript NM_001105206.3 (MANE Select); coding-DNA position 4687, A replaced by T.
Protein change: p.Ser1563Cys; replaces serine 1563 with cysteine.
Molecular consequence: missense variant.
Genome position (GRCh38, 1-based): chr6:112,119,290, T>A on the plus strand (A>T on the coding strand, the complement: LAMA4 is on the minus strand). VCF-style: chr6-112119290-T-A. GRCh37 (hg19) VCF-style: chr6-112440493-T-A.
Other names: c.4666A>T, p.Ser1556Cys (NM_001105207.3, NM_002290.5); short protein forms S1556C, S1563C.
Identifiers: ClinVar variation 3664928 (VCV003664928.3).